The following is an entry in ClinVar:

ClinVar aggregate classification (germline): not provided (0 of 4 stars; one submission).

Submission:

Cardiovascular Biomedical Research Unit, Royal Brompton & Harefield NHS Foundation Trust
No classification provided. Review status: no classification provided. Collection method: literature only. Allele origin: germline.
Comment: This variant has been reported in the following publications (PMID:14661677;PMID:19841300).

Literature cited by the submitters: PubMed 14661677; PubMed 19841300; PubMed 22581653.

NM_000238.4(KCNH2):c.644T>G (p.Val215Gly)

Gene: KCNH2 (potassium voltage-gated channel subfamily H member 2; minus strand). Cytogenetic location: 7q36.1.
Variant type: single nucleotide variant.
Coding change: c.644T>G on transcript NM_000238.4 (MANE Select); coding-DNA position 644, T replaced by G.
Protein change: p.Val215Gly; replaces valine 215 with glycine.
Molecular consequence: missense variant.
Genome position (GRCh38, 1-based): chr7:150,958,331, A>C on the plus strand (T>G on the coding strand, the complement: KCNH2 is on the minus strand). VCF-style: chr7-150958331-A-C. GRCh37 (hg19) VCF-style: chr7-150655419-A-C.
Other names: c.644T>G (LRG_288t1); c.356T>G, p.Val119Gly (NM_001406753.1, NM_001406756.1); c.467T>G, p.Val156Gly (NM_001406755.1); c.344T>G, p.Val115Gly (NM_001406757.1); c.644T>G, p.Val215Gly (NM_172056.3); short protein forms V215G, V115G, V156G, V119G.
Identifiers: ClinVar variation 67515 (VCV000067515.3), dbSNP rs199473500, ClinGen allele CA008637.
Genomic context (GRCh38, chr7:150,958,331, plus strand): 5'-ACCAGCGCACGCCGCTCCTCCGCGGGCCCGAGCCCTGCCACGTGGTTGTCCATGGCTGTC[A>C]CTTCGTCCAGGGCCAGCGACTCGCTGCTGGGTGCCGCGGGCGTCAGGTCCACGTCCACCA-3'
Protein context (NP_000229.1, residues 205-225): PSSESLALDE[Val215Gly]TAMDNHVAGL